The following is an entry in ClinVar:

NM_032856.5(WDR73):c.198+8_198+13del

Gene: WDR73 (WD repeat domain 73; minus strand). Cytogenetic location: 15q25.2.
Variant type: Deletion.
Coding change: c.198+8_198+13del on transcript NM_032856.5 (MANE Select); bases 8 to 13 of the intron after coding-DNA position 198, 6 bases deleted (AAAATA; older notation c.198+8_198+13delAAAATA).
Molecular consequence: intron variant.
Genome position (GRCh38, 1-based): chr15:84,652,701-84,652,706, TATTTT deleted on the plus strand (AAAATA on the coding strand, the reverse complement: WDR73 is on the minus strand). VCF-style (leftmost placement, unchanged base first): chr15-84652700-ATATTTT-A. GRCh37 (hg19) VCF-style: chr15-85195931-ATATTTT-A.
Other names: p.?; c.198+8_198+13del (NM_032856.4, NM_032856.3).
Identifiers: ClinVar variation 720083 (VCV000720083.10), dbSNP rs753634831, ClinGen allele CA7707480.

ClinVar aggregate classification (germline): Benign/Likely benign. Review status: criteria provided, multiple submitters, no conflicts (2 of 4 stars). 2 submissions from 2 submitters: Benign (1); Likely benign (1). Last evaluated 2025-12-16.

Allele frequency attached by ClinVar (database versions not stated): 1000 Genomes Project 30x 0.00016; ExAC 0.00025; ESP Exome Variant Server 0.00029; gnomAD exomes 0.00035 and 0.00089; gnomAD 0.00135 and 0.00148; TOPMed 0.00148.

Submissions (2):

Labcorp Genetics (formerly Invitae), Labcorp
Classification: Likely benign. Last evaluated: 2025-12-16. Review status: criteria provided, single submitter. Criteria: Invitae Variant Classification Sherloc (09022015). Collection method: clinical testing. Allele origin: germline.

Mayo Clinic Laboratories, Mayo Clinic
Classification: Benign. Last evaluated: 2025-02-27. Review status: criteria provided, single submitter. Criteria: ACMG Guidelines, 2015. Collection method: clinical testing. Allele origin: germline. Observed: 1 variant allele.
Comment: BS1, BS2, BP4, BP7